The following is an entry in ClinVar:

NM_007294.4(BRCA1):c.81-11del

Gene: BRCA1 (BRCA1 DNA repair associated; minus strand). Cytogenetic location: 17q21.31.
Variant type: Deletion.
Coding change: c.81-11del on transcript NM_007294.4 (MANE Select); 11 bases into the intron before coding-DNA position 81, one base deleted (T; older notation c.81-11delT).
Molecular consequence: intron variant.
Genome position (GRCh38, 1-based): chr17:43,115,790, A deleted on the plus strand (T on the coding strand, the reverse complement: BRCA1 is on the minus strand). VCF-style (leftmost placement, unchanged base first): chr17-43115789-TA-T. GRCh37 (hg19) VCF-style: chr17-41267806-TA-T.
Other names: p.?; IVS2-11delT; c.81-11delT (NM_007294.3); c.-61-11del (NM_001408458.1, NM_001408470.1, NM_001407848.1 and 47 more transcripts); c.-219+9487del (NM_001407967.1); c.-170+9487del (NM_001407959.1); c.-7-9257del (NM_001407931.1, NM_001407747.1, NM_001408511.1 and 2 more transcripts); c.-223-11del (NM_001407962.1, NM_001408512.1, NM_001408510.1 and 1 more transcripts); and 13 more.
Identifiers: ClinVar variation 37699 (VCV000037699.35), dbSNP rs273902788, ClinGen allele CA003895.
Genomic context (GRCh38, chr17:43,115,789, plus strand): 5'-CAAAATATGTGGTCACACTTTGTGGAGACAGGTTCCTTGATCAACTCCAGACTAGCAGGG[TA>T]GGGGGGGAGAAAAAGAAAATAAATGAGGCTCAATAATTTATTTAAAAATAAAGCTATTCT-3'

ClinVar aggregate classification (germline): Benign. Review status: reviewed by expert panel (3 of 4 stars). 16 submissions from 16 submitters: Benign (1). 15 of the submissions do not count toward it. Last evaluated 2024-06-11.

Conditions:
Hereditary cancer-predisposing syndrome. Also called: Tumor predisposition; Neoplastic Syndromes, Hereditary; Hereditary Cancer Syndrome; Hereditary neoplastic syndrome. Identifiers: Orphanet 140162, MedGen C0027672, MeSH D009386, MONDO:0015356.
BRCA1-related cancer predisposition. Identifiers: MedGen CN377757, MONDO:0700268.
Hereditary breast ovarian cancer syndrome. Also called: Hereditary breast and ovarian cancer syndrome (HBOC); Hereditary breast and ovarian cancer syndrome; Hereditary breast and ovarian cancer; Hereditary breast and/or ovarian cancer syndrome; Breast and ovarian cancer; BRCA1- and BRCA2-Associated Hereditary Breast and Ovarian Cancer. Identifiers: Orphanet 145, MedGen C0677776, MeSH D061325, MONDO:0003582. Disease mechanism: loss of function.
Breast-ovarian cancer, familial, susceptibility to, 2 (BROVCA2). Also called: BRCA2 Hereditary Breast and Ovarian Cancer. Identifiers: Orphanet 145, MedGen C2675520, MONDO:0012933, OMIM 612555. Disease mechanism: loss of function.
Breast-ovarian cancer, familial, susceptibility to, 1 (BROVCA1). Also called: OVARIAN CANCER, SUSCEPTIBILITY TO; BRCA1 Hereditary Breast and Ovarian Cancer. Identifiers: Orphanet 145, MedGen C2676676, MONDO:0011450, OMIM 604370. Disease mechanism: loss of function.
Malignant tumor of breast. Also called: Malignant breast neoplasm; Cancer breast. Identifiers: MedGen C0006142, MONDO:0007254. Disease mechanism: loss of function.

Allele frequency attached by ClinVar (database versions not stated): gnomAD exomes 0.00004 and 0.00005; ExAC 0.00005; TOPMed 0.00005; gnomAD 0.00004.

Submissions (16):

ClinGen ENIGMA BRCA1 and BRCA2 Variant Curation Expert Panel, ClinGen
Classification: Benign for BRCA1-related cancer predisposition. Last evaluated: 2024-06-11. Review status: reviewed by expert panel. Criteria: CSpec BRCA1/2ACMG Rules Specifications V1.0. Collection method: curation. Allele origin: germline. Inheritance: Autosomal dominant inheritance.
Comment: The c.81-11del variant is an intronic variant occurring in intron 2 of the BRCA1 gene. This variant is present in gnomAD v2.1 (exomes only, non-cancer subset) or gnomAD v3.1 (non-cancer subset) but is below the ENIGMA BRCA1/2 VCEP threshold >0.00002 for BS1_Supporting (PM2_Supporting, BS1, and BA1 are not met). This BRCA1 intronic variant is outside of the native donor and acceptor 1,2 splice sites, and SpliceAI predictor score of 0.00 suggests that the variant has no impact on splicing (score threshold <0.10) (BP4 met). This is an intronic variant, and mRNA experimental analysis indicates no impact on splicing (PMID: 21735045), considered strong evidence against pathogenicity (BP7_Strong (RNA)). Multifactorial likelihood ratio analysis using clinically calibrated data produced a combined LR for this variant of 0.00131 (based on Co-occurrence LR=0.0406; Family History LR=0.0321), below the threshold for Very strong benign evidence (LR <0.00285) (BP5_Very strong met; (PMID: 17924331)). In summary, this variant meets the criteria to be classified as a Benign variant for BRCA1-related cancer predisposition based on the ACMG/AMP criteria applied as specified by the ENIGMA BRCA1/2 VCEP (BP4, BP7_Strong (RNA), BP5_Very strong).

Labcorp Genetics (formerly Invitae), Labcorp
Classification: Benign for Hereditary breast ovarian cancer syndrome. Last evaluated: 2026-01-28. Review status: criteria provided, single submitter. Criteria: Invitae Variant Classification Sherloc (09022015). Collection method: clinical testing. Allele origin: germline. Not counted in ClinVar's aggregate classification.

Quest Diagnostics Nichols Institute San Juan Capistrano
Classification: Benign. Last evaluated: 2025-10-14. Review status: criteria provided, single submitter. Criteria: Quest Diagnostics criteria. Collection method: clinical testing. Allele origin: unknown. Not counted in ClinVar's aggregate classification.

All of Us Research Program, National Institutes of Health
Classification: Benign for Breast-ovarian cancer, familial, susceptibility to, 1. Last evaluated: 2023-12-14. Review status: criteria provided, single submitter. Criteria: ACMG Guidelines, 2015. Collection method: clinical testing. Allele origin: germline. Inheritance: Autosomal dominant inheritance. Observed: 9 variant alleles, 9 heterozygotes. Not counted in ClinVar's aggregate classification.
Comment: This study involves interpretation of variants in research participants for the purpose of population health screening. Participant phenotype was not available at the time of variant classification. Additional details can be found in publication PMID: 35346344, PMCID: PMC8962531

Women's Health and Genetics/Laboratory Corporation of America, LabCorp
Classification: Benign. Last evaluated: 2022-11-28. Review status: criteria provided, single submitter. Criteria: LabCorp Variant Classification Summary - May 2015. Collection method: clinical testing. Allele origin: germline. Not counted in ClinVar's aggregate classification.
Comment: Variant summary: BRCA1 c.81-11delT alters a non-conserved nucleotide located close to a canonical splice site and therefore could affect mRNA splicing, leading to a significantly altered protein sequence. Several computational tools predict a significant impact on normal splicing: One predict the variant abolishes the canonical 3' splicing acceptor site. Three predict the variant no significant impact on splicing. An in vitro assay using RNA from the individual(s) carrying this variant shows that the variant had no effect on splicing (example, Menendez_2011). The variant allele was found at a frequency of 3.6e-05 in 248152 control chromosomes. The available data on variant occurrences in the general population are insufficient to allow any conclusion about variant significance. c.81-11delT has been reported in the literature in individuals affected with Breast and/or Ovarian Cancer without a strong evidence of causality (example, Judkins_2005, Easton_2007, Menendez_2012). These report(s) do not provide unequivocal conclusions about association of the variant with Hereditary Breast And Ovarian Cancer Syndrome. At-least one co-occurrence with another pathogenic variant has been reported in the UMD database (BRCA2 c.9117+2T>C), providing supporting evidence for a benign role. Multifactorial probability models also support a neutral outcome (example, Lindor_2012). To our knowledge, no experimental evidence demonstrating an impact on protein function has been reported. Six clinical diagnostic laboratories and an expert panel (ENIGMA) have submitted clinical-significance assessments for this variant to ClinVar after 2014 without evidence for independent evaluation. All submitters classified the variant as benign/likely benign. Based on the evidence outlined above, the variant was classified as benign.

Mayo Clinic Laboratories, Mayo Clinic
Classification: Likely benign. Last evaluated: 2021-07-14. Review status: criteria provided, single submitter. Criteria: ACMG Guidelines, 2015. Collection method: clinical testing. Allele origin: germline. Observed: 1 variant allele. Not counted in ClinVar's aggregate classification.

Sema4
Classification: Likely benign for Hereditary cancer-predisposing syndrome. Last evaluated: 2021-01-23. Review status: criteria provided, single submitter. Criteria: Sema4 Curation Guidelines. Collection method: curation. Allele origin: germline. Not counted in ClinVar's aggregate classification.

Genetic Services Laboratory, University of Chicago
Classification: Likely benign. Last evaluated: 2020-01-24. Review status: criteria provided, single submitter. Criteria: ACMG Guidelines, 2015. Collection method: clinical testing. Allele origin: germline. Affected: no. Not counted in ClinVar's aggregate classification.

Mendelics
Classification: Likely benign for Breast-ovarian cancer, familial, susceptibility to, 1. Last evaluated: 2019-05-28. Review status: criteria provided, single submitter. Criteria: Mendelics Assertion Criteria 2017. Collection method: clinical testing. Allele origin: unknown. Not counted in ClinVar's aggregate classification.

Color Diagnostics, LLC DBA Color Health
Classification: Benign for Hereditary cancer-predisposing syndrome. Last evaluated: 2017-01-03. Review status: criteria provided, single submitter. Criteria: ACMG Guidelines, 2015. Collection method: clinical testing. Allele origin: germline. Not counted in ClinVar's aggregate classification.

GeneDx
Classification: Benign. Last evaluated: 2015-03-03. Review status: criteria provided, single submitter. Criteria: GeneDx Variant Classification Process June 2021. Collection method: clinical testing. Allele origin: germline. Affected: yes. Not counted in ClinVar's aggregate classification.
Comment: This variant is associated with the following publications: (PMID: 27616075, 17924331, 21990134)

Ambry Genetics
Classification: Benign for Hereditary cancer-predisposing syndrome. Last evaluated: 2014-11-18. Review status: criteria provided, single submitter. Criteria: Ambry Variant Classification Scheme 2023. Collection method: clinical testing. Allele origin: germline. Not counted in ClinVar's aggregate classification.

Liquid Biopsy and Cancer Interception Group, Pfizer-University of Granada-Junta de Andalucía Centre for Genomics and Oncological Research
Classification: Uncertain significance for Breast-ovarian cancer, familial, susceptibility to, 2. Review status: criteria provided, single submitter. Criteria: ACMG Guidelines, 2015. Collection method: clinical testing. Allele origin: germline. Affected: yes. Observed: 1 variant allele. Not counted in ClinVar's aggregate classification.

Sharing Clinical Reports Project (SCRP)
Classification: Likely benign for Breast-ovarian cancer, familial 1. Last evaluated: 2007-11-16. Review status: no assertion criteria provided. Collection method: clinical testing. Allele origin: germline. Not counted in ClinVar's aggregate classification.

Breast Cancer Information Core (BIC) (BRCA1)
Classification: Uncertain significance for Breast-ovarian cancer, familial 1. Last evaluated: 2004-02-20. Review status: no assertion criteria provided. Collection method: clinical testing. Allele origin: germline. Affected: yes. Observed: 6 variant alleles. Not counted in ClinVar's aggregate classification.

Department of Pathology and Laboratory Medicine, Sinai Health System
Classification: Likely benign for Malignant tumor of breast. Review status: no assertion criteria provided. Collection method: clinical testing. Allele origin: unknown. Affected: yes. Study: The Canadian Open Genetics Repository (COGR). Not counted in ClinVar's aggregate classification.
Comment: The BRCA1 c.81-11del variant was identified in the literature however the frequency of this variant in an affected population was not provided. The variant was also identified in ClinVar (6x, Benign by ENIGMA, Invitae, Color; Likely benign by Lab Corp and SCRP; Uncertain by BIC), or LOVD 3.0 (3x as benign). The variant was not identified in UMD-LSDB database. The variant was identified in control databases in 11 of 279514 chromosomes at a frequency of 0.00004 (Genome Aggregation Database Feb 27, 2017). The variant was observed in the following populations: African in 2 of 24716 chromosomes (freq: 0.00008), Latino in 2 of 34920 chromosomes (freq: 0.00006), European (Non-Finnish) in 6 of 127620 chromosomes (freq: 0.00005), South Asian in 1 of 30012 chromosomes (freq: 0.00003); it was not observed in the Ashkenazi Jewish, East Asian, and Finish populations. Menendez et al. report an in vitro assay using RNA from lymphocyte cell cultures form a patient carrying this variant displaying that the variant had no effect on splicing (Menendez 2011). In addition Lindor et al. report a probability model that predicts this variant to be benign (Lindor 2012). The variant occurs outside of the splicing consensus sequence and in silico or computational prediction software programs (SpliceSiteFinder, MaxEntScan, NNSPLICE, GeneSplicer) do not predict a difference in splicing. In summary, based on the above information the clinical significance of this variant cannot be determined with certainty at this time although we would lean towards a more benign role for this variant. This variant is classified as likely benign.

Literature cited by the submitters: PubMed 17924331 (cited by Quest Diagnostics Nichols Institute San Juan Capistrano and Women's Health and Genetics/Laboratory Corporation of America, LabCorp); PubMed 16267036 (cited by Quest Diagnostics Nichols Institute San Juan Capistrano and Women's Health and Genetics/Laboratory Corporation of America, LabCorp); PubMed 23893897 (cited by Quest Diagnostics Nichols Institute San Juan Capistrano and Women's Health and Genetics/Laboratory Corporation of America, LabCorp); PubMed 21735045 (cited by Quest Diagnostics Nichols Institute San Juan Capistrano and Women's Health and Genetics/Laboratory Corporation of America, LabCorp); PubMed 27616075 (cited by Quest Diagnostics Nichols Institute San Juan Capistrano); PubMed 21990134 (cited by Quest Diagnostics Nichols Institute San Juan Capistrano and Women's Health and Genetics/Laboratory Corporation of America, LabCorp).